The following is an entry in ClinVar:

ClinVar aggregate classification (germline): Likely benign. Review status: reviewed by expert panel (3 of 4 stars). 5 submissions from 5 submitters: Likely benign (1). 4 of the submissions do not count toward it. Last evaluated 2017-06-29.

Conditions:
Hereditary cancer-predisposing syndrome. Also called: Tumor predisposition; Hereditary Cancer Syndrome; Hereditary neoplastic syndrome; Neoplastic Syndromes, Hereditary. Identifiers: Orphanet 140162, MedGen C0027672, MeSH D009386, MONDO:0015356.
Hereditary breast ovarian cancer syndrome. Also called: Hereditary breast and ovarian cancer; Breast and ovarian cancer; BRCA1- and BRCA2-Associated Hereditary Breast and Ovarian Cancer; Hereditary breast and ovarian cancer syndrome; Hereditary breast and ovarian cancer syndrome (HBOC); Hereditary breast and/or ovarian cancer syndrome. Identifiers: Orphanet 145, MedGen C0677776, MeSH D061325, MONDO:0003582. Disease mechanism: loss of function.
Breast-ovarian cancer, familial, susceptibility to, 2 (BROVCA2). Also called: BRCA2 Hereditary Breast and Ovarian Cancer. Identifiers: Orphanet 145, MedGen C2675520, MONDO:0012933, OMIM 612555. Disease mechanism: loss of function.

Allele frequency attached by ClinVar (database versions not stated): gnomAD exomes below 0.00001; gnomAD 0.00001.
gnomAD v4.1: 2 of 1,613,726 alleles (0.00012%); highest among the groups gnomAD compares: African/African-American, 0.0027%; no homozygotes.

Submissions (5):

Evidence-based Network for the Interpretation of Germline Mutant Alleles (ENIGMA)
Classification: Likely benign for Breast-ovarian cancer, familial, susceptibility to, 2. Last evaluated: 2017-06-29. Review status: reviewed by expert panel. Criteria: ENIGMA BRCA1/2 Classification Criteria (2017-06-29). Collection method: curation. Allele origin: germline.
Comment: Synonymous substitution variant, with low bioinformatic likelihood to result in a splicing aberration (Splicing prior probability 0.02).

Quest Diagnostics Nichols Institute San Juan Capistrano
Classification: Likely benign. Last evaluated: 2025-08-06. Review status: criteria provided, single submitter. Criteria: Quest Diagnostics criteria. Collection method: clinical testing. Allele origin: unknown. Not counted in ClinVar's aggregate classification.

Labcorp Genetics (formerly Invitae), Labcorp
Classification: Likely benign for Hereditary breast ovarian cancer syndrome. Last evaluated: 2025-07-09. Review status: criteria provided, single submitter. Criteria: Invitae Variant Classification Sherloc (09022015). Collection method: clinical testing. Allele origin: germline. Not counted in ClinVar's aggregate classification.

Ambry Genetics
Classification: Likely benign for Hereditary cancer-predisposing syndrome. Last evaluated: 2019-08-26. Review status: criteria provided, single submitter. Criteria: Ambry Variant Classification Scheme 2023. Collection method: clinical testing. Allele origin: germline. Not counted in ClinVar's aggregate classification.

GeneDx
Classification: Likely benign. Last evaluated: 2016-05-20. Review status: criteria provided, single submitter. Criteria: GeneDx Variant Classification (06012015). Collection method: clinical testing. Allele origin: germline. Affected: yes. Not counted in ClinVar's aggregate classification.
Comment: This variant is considered likely benign or benign based on one or more of the following criteria: it is a conservative change, it occurs at a poorly conserved position in the protein, it is predicted to be benign by multiple in silico algorithms, and/or has population frequency not consistent with disease.

NM_000059.4(BRCA2):c.5445T>C (p.Thr1815=)

Gene: BRCA2 (BRCA2 DNA repair associated; plus strand). Cytogenetic location: 13q13.1.
Variant type: single nucleotide variant.
Coding change: c.5445T>C on transcript NM_000059.4 (MANE Select); coding-DNA position 5445, T replaced by C.
Protein change: p.Thr1815=; no amino-acid change (threonine 1815 retained).
Molecular consequence: synonymous variant.
Genome position (GRCh38, 1-based): chr13:32,339,800, T>C. VCF-style: chr13-32339800-T-C. GRCh37 (hg19) VCF-style: chr13-32913937-T-C.
Identifiers: ClinVar variation 236880 (VCV000236880.15), dbSNP rs878853589, ClinGen allele CA10583114.